The following is an entry in ClinVar:

ClinVar aggregate classification (germline): Uncertain significance. Review status: criteria provided, multiple submitters, no conflicts (2 of 4 stars). 3 submissions from 3 submitters: Uncertain significance (2). 1 of the submissions does not count toward it. Last evaluated 2025-10-14.

Conditions:
Autism spectrum disorder. Also called: Autism spectrum disorders. Identifiers: MedGen C1510586, MeSH D000067877, MONDO:0005258.
POGZ-related disorder. Also called: POGZ-related condition.

Allele frequency attached by ClinVar (database versions not stated): TOPMed below 0.00001; gnomAD 0.00001.
gnomAD v4.1: 1 of 1,613,934 alleles (0.000062%); highest among the groups gnomAD compares: Non-Finnish European, 0.000085%; no homozygotes.

Submissions (3):

PreventionGenetics, part of Exact Sciences
Classification: Uncertain significance for POGZ-related condition. Last evaluated: 2025-10-14. Review status: criteria provided, single submitter. Criteria: ACMG Guidelines, 2015. Collection method: clinical testing. Allele origin: germline.
Comment: The POGZ c.1978A>G variant is predicted to result in the amino acid substitution p.Lys660Glu. To our knowledge, this variant has not been reported in the literature or in a large population database (gnomAD), indicating this variant is rare. At this time, the clinical significance of this variant is uncertain due to the absence of conclusive functional and genetic evidence.

GeneDx
Classification: Uncertain significance. Last evaluated: 2024-09-30. Review status: criteria provided, single submitter. Criteria: GeneDx Variant Classification Process June 2021. Collection method: clinical testing. Allele origin: germline. Affected: yes.
Comment: Not observed at significant frequency in large population cohorts (gnomAD); In silico analysis supports that this missense variant has a deleterious effect on protein structure/function; Has not been previously published as pathogenic or benign to our knowledge

Center of Medical Genetics, Central South University
Classification: association for Autism spectrum disorder. Review status: no assertion criteria provided. Collection method: clinical testing. Allele origin: unknown. Affected: yes. Observed: 1 variant allele. Not counted in ClinVar's aggregate classification.

NM_015100.4(POGZ):c.1978A>G (p.Lys660Glu)

Gene: POGZ (pogo transposable element derived with ZNF domain; minus strand). Cytogenetic location: 1q21.3.
Variant type: single nucleotide variant.
Coding change: c.1978A>G on transcript NM_015100.4 (MANE Select); coding-DNA position 1978, A replaced by G.
Protein change: p.Lys660Glu; replaces lysine 660 with glutamic acid.
Molecular consequence: missense variant.
Genome position (GRCh38, 1-based): chr1:151,408,777, T>C on the plus strand (A>G on the coding strand, the complement: POGZ is on the minus strand). VCF-style: chr1-151408777-T-C. GRCh37 (hg19) VCF-style: chr1-151381253-T-C.
Other names: c.1951A>G, p.Lys651Glu (NM_001194937.2); c.1792A>G, p.Lys598Glu (NM_001194938.2); c.1693A>G, p.Lys565Glu (NM_145796.4); c.1819A>G, p.Lys607Glu (NM_207171.2); short protein forms K660E, K598E, K607E, K565E, K651E.
Identifiers: ClinVar variation 560572 (VCV000560572.3), dbSNP rs1418634444, ClinGen allele CA341960024.